The following is an entry in ClinVar:

ClinVar aggregate classification (germline): Likely benign (0 of 4 stars; one submission).

Conditions:
STK36-related disorder. Also called: STK36-related condition.

Allele frequency attached by ClinVar (database versions not stated): ExAC 0.00030; ESP Exome Variant Server 0.00038; gnomAD 0.00039; 1000 Genomes Project 0.00040; 1000 Genomes Project 30x 0.00062.
gnomAD v4.1: 614 of 1,614,102 alleles (0.038%); highest among the groups gnomAD compares: Middle Eastern, 0.049%; no homozygotes.

Submission:

PreventionGenetics, part of Exact Sciences
Classification: Likely benign for STK36-related condition. Last evaluated: 2019-03-04. Review status: no assertion criteria provided. Collection method: clinical testing. Allele origin: germline.
Comment: This variant is classified as likely benign based on ACMG/AMP sequence variant interpretation guidelines (Richards et al. 2015 PMID: 25741868, with internal and published modifications).

NM_015690.5(STK36):c.3747G>A (p.Val1249=)

Gene: STK36 (serine/threonine kinase 36; plus strand). Cytogenetic location: 2q35.
Variant type: single nucleotide variant.
Coding change: c.3747G>A on transcript NM_015690.5 (MANE Select); coding-DNA position 3747, G replaced by A.
Protein change: p.Val1249=; no amino-acid change (valine 1249 retained).
Molecular consequence: synonymous variant.
Genome position (GRCh38, 1-based): chr2:218,699,291, G>A. VCF-style: chr2-218699291-G-A. GRCh37 (hg19) VCF-style: chr2-219564014-G-A.
Other names: c.3684G>A, p.Val1228= (NM_001243313.2); c.3747G>A, p.Val1249= (NM_001369423.1).
Identifiers: ClinVar variation 3035658 (VCV003035658.2), dbSNP rs148113887, ClinGen allele CA2111456.